The following is an entry in ClinVar:

NM_006009.4(TUBA1A):c.551C>T (p.Pro184Leu)

Gene: TUBA1A (tubulin alpha 1a; minus strand). Cytogenetic location: 12q13.12.
Variant type: single nucleotide variant.
Coding change: c.551C>T on transcript NM_006009.4 (MANE Select); coding-DNA position 551, C replaced by T.
Protein change: p.Pro184Leu; replaces proline 184 with leucine.
Molecular consequence: missense variant.
Genome position (GRCh38, 1-based): chr12:49,185,815, G>A on the plus strand (C>T on the coding strand, the complement: TUBA1A is on the minus strand). VCF-style: chr12-49185815-G-A. GRCh37 (hg19) VCF-style: chr12-49579598-G-A.
Other names: c.551C>T, p.Pro184Leu (NM_001270399.2); c.446C>T, p.Pro149Leu (NM_001270400.2); short protein forms P149L, P184L.
Identifiers: ClinVar variation 3382572 (VCV003382572.2).

ClinVar aggregate classification (germline): Likely pathogenic (1 of 4 stars; one submission).

Conditions:
Lissencephaly due to TUBA1A mutation (CDCBM16). Also called: CORTICAL DYSPLASIA, COMPLEX, WITH OTHER BRAIN MALFORMATIONS 16; Lissencephaly 3. Identifiers: Orphanet 171680, MedGen C4305153, MONDO:0012703, OMIM 611603.

Submission:

Juno Genomics, Hangzhou Juno Genomics, Inc
Classification: Likely pathogenic for Lissencephaly due to TUBA1A mutation. Review status: criteria provided, single submitter. Criteria: ACMG Guidelines, 2015. Collection method: clinical testing. Allele origin: germline. Affected: yes.
Comment: Absent from controls (or at extremely low frequency if recessive) in Genome Aggregation Database, Exome Sequencing Project, 1000 Genomes Project, or Exome Aggregation Consortium.;Multiple lines of computational evidence support a deleterious effect on the gene or gene product (conservation, evolutionary, splicing impact, etc).;Missense variant in a gene that has a low rate of benign missense variation and where missense variants are a common mechanism of disease.;De novo (both maternity and paternity confirmed) in a patient with the disease and no family history.